The following is an entry in ClinVar:

NM_004341.5(CAD):c.4352T>C (p.Val1451Ala)

Gene: CAD (carbamoyl-phosphate synthetase 2, aspartate transcarbamylase, and dihydroorotase; plus strand). Cytogenetic location: 2p23.3.
Variant type: single nucleotide variant.
Coding change: c.4352T>C on transcript NM_004341.5 (MANE Select); coding-DNA position 4352, T replaced by C.
Protein change: p.Val1451Ala; replaces valine 1451 with alanine.
Molecular consequence: missense variant.
Genome position (GRCh38, 1-based): chr2:27,236,786, T>C. VCF-style: chr2-27236786-T-C. GRCh37 (hg19) VCF-style: chr2-27459654-T-C.
Other names: c.4163T>C, p.Val1388Ala (NM_001306079.2); short protein forms V1451A, V1388A.
Identifiers: ClinVar variation 1959101 (VCV001959101.5), dbSNP rs2465343031, ClinGen allele CA346219453.

ClinVar aggregate classification (germline): Uncertain significance (1 of 4 stars; one submission).

Submission:

Labcorp Genetics (formerly Invitae), Labcorp
Classification: Uncertain significance. Last evaluated: 2022-09-27. Review status: criteria provided, single submitter. Criteria: Invitae Variant Classification Sherloc (09022015). Collection method: clinical testing. Allele origin: germline.
Comment: Algorithms developed to predict the effect of missense changes on protein structure and function output the following: SIFT: "Tolerated"; PolyPhen-2: "Benign"; Align-GVGD: "Class C0". The alanine amino acid residue is found in multiple mammalian species, which suggests that this missense change does not adversely affect protein function. In summary, the available evidence is currently insufficient to determine the role of this variant in disease. Therefore, it has been classified as a Variant of Uncertain Significance. This variant has not been reported in the literature in individuals affected with CAD-related conditions. This variant is not present in population databases (gnomAD no frequency). This sequence change replaces valine, which is neutral and non-polar, with alanine, which is neutral and non-polar, at codon 1451 of the CAD protein (p.Val1451Ala).